The following is an entry in ClinVar:

NM_001034853.2(RPGR):c.3271A>G (p.Ile1091Val)

Gene: RPGR (retinitis pigmentosa GTPase regulator; minus strand). Cytogenetic location: Xp11.4.
Variant type: single nucleotide variant.
Coding change: c.3271A>G on transcript NM_001034853.2 (MANE Select); coding-DNA position 3271, A replaced by G.
Protein change: p.Ile1091Val; replaces isoleucine 1091 with valine.
Molecular consequence: missense variant. On other transcripts: intron variant (8).
Genome position (GRCh38, 1-based): chrX:38,285,728, T>C on the plus strand (A>G on the coding strand, the complement: RPGR is on the minus strand). VCF-style: chrX-38285728-T-C. GRCh37 (hg19) VCF-style: chrX-38144981-T-C.
Other names: c.1569+5231A>G (NM_001367249.1, NM_001367250.1); c.1902+1366A>G (NM_001367245.1); c.1386+5231A>G (NM_001367251.1); c.1719+1366A>G (NM_001367246.1); c.1572+5231A>G (NM_001367247.1); c.1905+1366A>G (NM_000328.3); c.1602+5231A>G (NM_001367248.1); c.3271A>G (NM_001034853.1); short protein forms I1091V.
Identifiers: ClinVar variation 2070780 (VCV002070780.5), dbSNP rs1049625142, ClinGen allele CA327914544.

ClinVar aggregate classification (germline): Uncertain significance. Review status: criteria provided, multiple submitters, no conflicts (2 of 4 stars). 2 submissions from 2 submitters: Uncertain significance (2). Last evaluated 2025-09-21.

Conditions:
Primary ciliary dyskinesia. Also called: Ciliary dyskinesia. Identifiers: Orphanet 244, MedGen C0008780, MONDO:0016575, HP:0012265.
RPGR-related disorder. Also called: RPGR-related condition.

Allele frequency attached by ClinVar (database versions not stated): gnomAD 0.00002; TOPMed 0.00006.
gnomAD v4.1: 5 of 1,209,055 alleles (0.00041%); highest among the groups gnomAD compares: Admixed American, 0.0066%; no homozygotes.

Submissions (2):

PreventionGenetics, part of Exact Sciences
Classification: Uncertain significance for RPGR-related condition. Last evaluated: 2025-09-21. Review status: criteria provided, single submitter. Criteria: ACMG Guidelines, 2015. Collection method: clinical testing. Allele origin: germline.
Comment: The RPGR c.3271A>G variant is predicted to result in the amino acid substitution p.Ile1091Val. To our knowledge, this variant has not been reported in the literature. This variant is reported in 0.0071% of alleles in individuals of Latino descent in gnomAD. At this time, the clinical significance of this variant is uncertain due to the absence of conclusive functional and genetic evidence.

Labcorp Genetics (formerly Invitae), Labcorp
Classification: Uncertain significance for Primary ciliary dyskinesia. Last evaluated: 2024-02-12. Review status: criteria provided, single submitter. Criteria: Invitae Variant Classification Sherloc (09022015). Collection method: clinical testing. Allele origin: germline.
Comment: This sequence change replaces isoleucine, which is neutral and non-polar, with valine, which is neutral and non-polar, at codon 1091 of the RPGR (ORF15) protein (p.Ile1091Val). This variant is present in population databases (no rsID available, gnomAD 0.007%). This variant has not been reported in the literature in individuals affected with RPGR (ORF15)-related conditions. ClinVar contains an entry for this variant (Variation ID: 2070780). Advanced modeling of protein sequence and biophysical properties (such as structural, functional, and spatial information, amino acid conservation, physicochemical variation, residue mobility, and thermodynamic stability) performed at Invitae indicates that this missense variant is not expected to disrupt RPGR (ORF15) protein function with a negative predictive value of 95%. In summary, the available evidence is currently insufficient to determine the role of this variant in disease. Therefore, it has been classified as a Variant of Uncertain Significance.